The following is an entry in ClinVar:

NM_001130438.3(SPTAN1):c.6959+5C>T

Gene: SPTAN1 (spectrin alpha, non-erythrocytic 1; plus strand). Cytogenetic location: 9q34.11.
Variant type: single nucleotide variant.
Coding change: c.6959+5C>T on transcript NM_001130438.3 (MANE Select); 5 bases into the intron after coding-DNA position 6959, C replaced by T.
Molecular consequence: intron variant.
Genome position (GRCh38, 1-based): chr9:128,632,328, C>T. VCF-style: chr9-128632328-C-T. GRCh37 (hg19) VCF-style: chr9-131394607-C-T.
Other names: c.7022+5C>T (NM_001363759.2); c.6944+5C>T (NM_003127.4); c.6899+5C>T (NM_001363765.2); c.6884+5C>T (NM_001195532.2).
Identifiers: ClinVar variation 514282 (VCV000514282.4), dbSNP rs1057523269, ClinGen allele CA658797300.

ClinVar aggregate classification (germline): Conflicting classifications of pathogenicity. Review status: criteria provided, conflicting classifications (1 of 4 stars). 2 submissions from 2 submitters: Uncertain significance (1); Likely benign (1). Last evaluated 2025-02-25.

Conditions:
Early-infantile DEE. Also called: Early infantile epileptic encephalopathy with suppression bursts; Early infantile epileptic encephalopathy; Ohtahara syndrome. Identifiers: Orphanet 1934, MedGen C0393706, MONDO:0800491.

gnomAD v4.1: 12 of 1,613,542 alleles (0.00074%); highest among the groups gnomAD compares: South Asian, 0.0099%; 1 homozygote.

Submissions (2):

Labcorp Genetics (formerly Invitae), Labcorp
Classification: Uncertain significance for Early-infantile DEE. Last evaluated: 2025-02-25. Review status: criteria provided, single submitter. Criteria: Invitae Variant Classification Sherloc (09022015). Collection method: clinical testing. Allele origin: germline.
Comment: This sequence change falls in intron 53 of the SPTAN1 gene. It does not directly change the encoded amino acid sequence of the SPTAN1 protein. It affects a nucleotide within the consensus splice site. This variant is not present in population databases (gnomAD no frequency). This variant has not been reported in the literature in individuals affected with SPTAN1-related conditions. ClinVar contains an entry for this variant (Variation ID: 514282). Variants that disrupt the consensus splice site are a relatively common cause of aberrant splicing (PMID: 17576681, 9536098). Algorithms developed to predict the effect of sequence changes on RNA splicing suggest that this variant is not likely to affect RNA splicing. In summary, the available evidence is currently insufficient to determine the role of this variant in disease. Therefore, it has been classified as a Variant of Uncertain Significance.

GeneDx
Classification: Likely benign. Last evaluated: 2018-01-02. Review status: criteria provided, single submitter. Criteria: GeneDx Variant Classification (06012015). Collection method: clinical testing. Allele origin: germline. Affected: yes.
Comment: This variant is considered likely benign or benign based on one or more of the following criteria: it is a conservative change, it occurs at a poorly conserved position in the protein, it is predicted to be benign by multiple in silico algorithms, and/or has population frequency not consistent with disease.

Literature cited by the submitters: PubMed 17576681 (cited by Labcorp Genetics (formerly Invitae), Labcorp); PubMed 9536098 (cited by Labcorp Genetics (formerly Invitae), Labcorp).